The following is an entry in ClinVar:

NM_001323289.2(CDKL5):c.1090G>T (p.Glu364Ter)

Gene: CDKL5 (cyclin dependent kinase like 5; plus strand). Cytogenetic location: Xp22.13.
Variant type: single nucleotide variant.
Coding change: c.1090G>T on transcript NM_001323289.2 (MANE Select); coding-DNA position 1090, G replaced by T.
Protein change: p.Glu364Ter; replaces glutamic acid 364 with a stop codon.
Molecular consequence: nonsense.
Genome position (GRCh38, 1-based): chrX:18,604,014, G>T. VCF-style: chrX-18604014-G-T. GRCh37 (hg19) VCF-style: chrX-18622134-G-T.
Other names: NM_001323289.2(CDKL5):c.1090G>T; p.Glu364Ter; c.1090G>T, p.Glu364Ter (NM_001037343.2, NM_003159.3); short protein forms E364*.
Identifiers: ClinVar variation 189553 (VCV000189553.3), dbSNP rs786204966, ClinGen allele CA199374.

ClinVar aggregate classification (germline): Likely pathogenic. Review status: criteria provided, single submitter (1 of 4 stars). 2 submissions from 2 submitters: Likely pathogenic (1). 1 of the submissions does not count toward it. Last evaluated 2024-09-11.

Conditions:
CDKL5 disorder. Identifiers: MedGen CN296942, MONDO:0100039.
Atypical Rett syndrome. Also called: Rett like syndrome; Variant Rett Syndrome. Identifiers: Orphanet 3095, MedGen C2748910, MONDO:0017746.

Submissions (2):

Centre for Population Genomics, CPG
Classification: Likely pathogenic for CDKL5 disorder. Last evaluated: 2024-09-11. Review status: criteria provided, single submitter. Criteria: McKnight et al. (Hum Mutat. 2022). Collection method: curation. Allele origin: germline. Inheritance: X-linked inheritance.
Comment: This variant has been collected from RettBASE and curated to current modified ACMG/AMP criteria. Based on the classification scheme defined by the ClinGen Rett/Angelman-like Expert Panel for Rett/AS-like Disorders Specifications to the ACMG/AMP Variant Interpretation Guidelines VCEP 3.0, this variant is classified as likely pathogenic. At least the following criteria are met: Predicted to result in loss of function, and LOF is a known mechanism of disease (PVS1). This variant is absent from gnomAD (PM2_Supporting).

RettBASE
Classification: Pathogenic for Atypical Rett syndrome. Last evaluated: 2014-03-13. Review status: no assertion criteria provided. Collection method: curation. Allele origin: unknown. Affected: yes. Observed: 1 variant allele. Not counted in ClinVar's aggregate classification.

Literature cited by the submitters: PubMed 22430159 (cited by RettBASE).